The following is an entry in ClinVar:

ClinVar aggregate classification (germline): Uncertain significance (1 of 4 stars; one submission).

Submission:

Women's Health and Genetics/Laboratory Corporation of America, LabCorp
Classification: Uncertain significance. Last evaluated: 2025-11-19. Review status: criteria provided, single submitter. Criteria: LabCorp Variant Classification Summary - May 2015. Collection method: clinical testing. Allele origin: germline.
Comment: Variant summary: PAK1 c.-63G>C is located in the untranslated mRNA region upstream of the initiation codon. The variant was absent in 396 control chromosomes. The available data on variant occurrences in the general population are insufficient to allow any conclusion about variant significance. To our knowledge, no occurrence of c.-63G>C in individuals affected with PAK1-related conditions and no experimental evidence demonstrating its impact on protein function have been reported. No submitters have cited clinical-significance assessments for this variant to ClinVar. Based on the evidence outlined above, the variant was classified as uncertain significance.

NM_002576.5(PAK1):c.-63G>C

Gene: PAK1 (p21 (RAC1) activated kinase 1; minus strand). Cytogenetic location: 11q14.1.
Variant type: single nucleotide variant.
Coding change: c.-63G>C on transcript NM_002576.5 (MANE Select); 63 bases upstream of the start codon, G replaced by C.
Molecular consequence: 5 prime UTR variant.
Genome position (GRCh38, 1-based): chr11:77,473,593, C>G on the plus strand (G>C on the coding strand, the complement: PAK1 is on the minus strand). VCF-style: chr11-77473593-C-G. GRCh37 (hg19) VCF-style: chr11-77184638-C-G.
Other names: c.-63G>C (NM_001128620.2, NM_001376290.1, NM_001376301.1); c.-60G>C (NM_001376268.1, NM_001376273.1); c.-238G>C (NM_001376276.1); c.-206G>C (NM_001376277.1); c.-370G>C (NM_001376280.1); c.-130G>C (NM_001376281.1); c.-155G>C (NM_001376282.1); c.-195G>C (NM_001376283.1); and 2 more.
Identifiers: ClinVar variation 4537300 (VCV004537300.1).